The following is an entry in ClinVar:

NM_000179.3(MSH6):c.2896A>G (p.Thr966Ala)

Gene: MSH6 (mutS homolog 6; plus strand). Cytogenetic location: 2p16.3.
Variant type: single nucleotide variant.
Coding change: c.2896A>G on transcript NM_000179.3 (MANE Select); coding-DNA position 2896, A replaced by G.
Protein change: p.Thr966Ala; replaces threonine 966 with alanine.
Molecular consequence: missense variant.
Genome position (GRCh38, 1-based): chr2:47,800,879, A>G. VCF-style: chr2-47800879-A-G. GRCh37 (hg19) VCF-style: chr2-48028018-A-G.
Other names: c.2506A>G, p.Thr836Ala (NM_001281492.2); c.1990A>G, p.Thr664Ala (NM_001281493.2, NM_001281494.2); c.2896A>G (NM_000179.2); short protein forms T664A, T836A, T966A.
Identifiers: ClinVar variation 1447968 (VCV001447968.9), dbSNP rs1669524537, ClinGen allele CA346756089.

ClinVar aggregate classification (germline): Conflicting classifications of pathogenicity. Review status: criteria provided, conflicting classifications (1 of 4 stars). 2 submissions from 2 submitters: Uncertain significance (1); Likely benign (1). Last evaluated 2025-07-11.

Conditions:
Hereditary cancer-predisposing syndrome. Also called: Hereditary Cancer Syndrome; Hereditary neoplastic syndrome; Neoplastic Syndromes, Hereditary; Tumor predisposition. Identifiers: Orphanet 140162, MedGen C0027672, MeSH D009386, MONDO:0015356.
Hereditary nonpolyposis colorectal neoplasms. Identifiers: MedGen C0009405, MeSH D003123.

Allele frequency attached by ClinVar (database versions not stated): TOPMed below 0.00001.

Submissions (2):

Ambry Genetics
Classification: Likely benign for Hereditary cancer-predisposing syndrome. Last evaluated: 2025-07-11. Review status: criteria provided, single submitter. Criteria: Ambry Variant Classification Scheme 2023. Collection method: clinical testing. Allele origin: germline.

Labcorp Genetics (formerly Invitae), Labcorp
Classification: Uncertain significance for Hereditary nonpolyposis colorectal neoplasms. Last evaluated: 2023-04-08. Review status: criteria provided, single submitter. Criteria: Invitae Variant Classification Sherloc (09022015). Collection method: clinical testing. Allele origin: germline.
Comment: In summary, the available evidence is currently insufficient to determine the role of this variant in disease. Therefore, it has been classified as a Variant of Uncertain Significance. Advanced modeling of protein sequence and biophysical properties (such as structural, functional, and spatial information, amino acid conservation, physicochemical variation, residue mobility, and thermodynamic stability) performed at Invitae indicates that this missense variant is not expected to disrupt MSH6 protein function. ClinVar contains an entry for this variant (Variation ID: 1447968). This sequence change replaces threonine, which is neutral and polar, with alanine, which is neutral and non-polar, at codon 966 of the MSH6 protein (p.Thr966Ala). This variant is not present in population databases (gnomAD no frequency). This variant has not been reported in the literature in individuals affected with MSH6-related conditions.